The following is an entry in ClinVar:

ClinVar aggregate classification (germline): Benign/Likely benign. Review status: criteria provided, multiple submitters, no conflicts (2 of 4 stars). 3 submissions from 3 submitters: Benign (1); Likely benign (2). Last evaluated 2025-12-09.

Conditions:
Juvenile polyposis syndrome (JPS). Identifiers: Orphanet 2929, MedGen C0345893, MONDO:0017380, OMIM 174900.
Hereditary cancer-predisposing syndrome. Also called: Hereditary neoplastic syndrome; Tumor predisposition; Neoplastic Syndromes, Hereditary; Hereditary Cancer Syndrome. Identifiers: Orphanet 140162, MedGen C0027672, MeSH D009386, MONDO:0015356.
Familial thoracic aortic aneurysm and aortic dissection (TAAD). Also called: Thoracic aortic aneurysms and dissections. Identifiers: Orphanet 91387, MedGen C4707243, MONDO:0019625.
Juvenile polyposis/hereditary hemorrhagic telangiectasia syndrome (JPHT). Also called: Juvenile Polyposis Syndrome / Hereditary Hemorrhagic Telangiectasia (JPS/HHT); JP/HHT SYNDROME; JUVENILE POLYPOSIS WITH HEREDITARY HEMORRHAGIC TELANGIECTASIA; POLYPOSIS, GENERALIZED JUVENILE, WITH PULMONARY ARTERIOVENOUS MALFORMATION; TELANGIECTASIA, HEREDITARY HEMORRHAGIC, WITH JUVENILE POLYPOSIS COLI. Identifiers: Orphanet 2929, MedGen C1832942, MONDO:0008278, OMIM 175050.

Submissions (3):

Labcorp Genetics (formerly Invitae), Labcorp
Classification: Likely benign for Juvenile polyposis syndrome. Last evaluated: 2025-12-09. Review status: criteria provided, single submitter. Criteria: Invitae Variant Classification Sherloc (09022015). Collection method: clinical testing. Allele origin: germline.

Myriad Genetics, Inc.
Classification: Benign for Juvenile polyposis/hereditary hemorrhagic telangiectasia syndrome. Last evaluated: 2025-03-18. Review status: criteria provided, single submitter. Criteria: Myriad Autosomal Dominant, Autosomal Recessive and X-Linked Classification Criteria (2023). Collection method: clinical testing. Allele origin: unknown.
Comment: This variant is considered benign. This variant is a silent/synonymous amino acid change and it is not expected to impact splicing.

Ambry Genetics
Classification: Likely benign for Hereditary cancer-predisposing syndrome; Familial thoracic aortic aneurysm and aortic dissection. Last evaluated: 2021-06-03. Review status: criteria provided, single submitter. Criteria: Ambry Variant Classification Scheme 2023. Collection method: clinical testing. Allele origin: germline.

NM_005359.6(SMAD4):c.255T>G (p.Ala85=)

Gene: SMAD4 (SMAD family member 4; plus strand). Cytogenetic location: 18q21.2.
Variant type: single nucleotide variant.
Coding change: c.255T>G on transcript NM_005359.6 (MANE Select); coding-DNA position 255, T replaced by G.
Protein change: p.Ala85=; no amino-acid change (alanine 85 retained).
Molecular consequence: synonymous variant.
Genome position (GRCh38, 1-based): chr18:51,048,691, T>G. VCF-style: chr18-51048691-T-G. GRCh37 (hg19) VCF-style: chr18-48575061-T-G.
Identifiers: ClinVar variation 529969 (VCV000529969.14), dbSNP rs1555685152, ClinGen allele CA503873538.